The following is an entry in ClinVar:

NC_000010.10:g.(?_79795104)_(79799970_?)dup

Gene: RPS24 (ribosomal protein S24; plus strand). Cytogenetic location: 10q22.3.
Variant type: Duplication.
Identifiers: ClinVar variation 583973 (VCV000583973.12).

ClinVar aggregate classification (germline): Uncertain significance (1 of 4 stars; one submission).

Conditions:
Diamond-Blackfan anemia. Also called: Aase syndrome; Blackfan Diamond syndrome; Aregenerative anemia chronic congenital; Red cell aplasia, pure hereditary; Congenital hypoplastic anemia. Identifiers: Orphanet 124, MedGen C1260899, MeSH D029503, MONDO:0015253, HP:0004810.

Submission:

Labcorp Genetics (formerly Invitae), Labcorp
Classification: Uncertain significance for Diamond-Blackfan anemia. Last evaluated: 2018-02-01. Review status: criteria provided, single submitter. Criteria: Invitae Variant Classification Sherloc (09022015). Collection method: clinical testing. Allele origin: germline.
Comment: In summary, the available evidence is currently insufficient to determine the role of this variant in disease. Therefore, it has been classified as a Variant of Uncertain Significance. Experimental studies and prediction algorithms are not available for this variant, and the functional significance of the duplicated exons is currently unknown. Duplication of exons 2-5 has not been reported in the literature in individuals with RPS24-related disease. This variant is a gross duplication of the genomic region encompassing exons 2-5 of the RPS24 gene. The 5' boundary is likely confined to intron 1. The 3' end of this event is unknown as it extends beyond the assayed region for this gene and therefore may encompass additional genes. The exact location of this variant in the genome is unknown.